The following is an entry in ClinVar:

NM_001256071.3(RNF213):c.5614G>T (p.Glu1872Ter)

Gene: RNF213 (ring finger protein 213; plus strand). Cytogenetic location: 17q25.3.
Variant type: single nucleotide variant.
Coding change: c.5614G>T on transcript NM_001256071.3 (MANE Select); coding-DNA position 5614, G replaced by T.
Protein change: p.Glu1872Ter; replaces glutamic acid 1872 with a stop codon.
Molecular consequence: nonsense.
Genome position (GRCh38, 1-based): chr17:80,339,981, G>T. VCF-style: chr17-80339981-G-T. GRCh37 (hg19) VCF-style: chr17-78313781-G-T.
Other names: c.5761G>T, p.Glu1921Ter (NM_001410195.1, NM_020914.5); short protein forms E1872*, E1921*.
Identifiers: ClinVar variation 4686287 (VCV004686287.1).

ClinVar aggregate classification (germline): Uncertain significance (1 of 4 stars; one submission).

Submission:

GeneDx
Classification: Uncertain significance. Last evaluated: 2025-07-17. Review status: criteria provided, single submitter. Criteria: GeneDx Variant Classification Process June 2021. Collection method: clinical testing. Allele origin: germline. Affected: yes.
Comment: Not observed at significant frequency in large population cohorts (gnomAD); Nonsense variant predicted to result in protein truncation or nonsense mediated decay in a gene or region of a gene for which loss of function is not a well-established mechanism of disease; Has not been previously published as pathogenic or benign to our knowledge